The following is an entry in ClinVar:

NM_025114.4(CEP290):c.5918A>G (p.Gln1973Arg)

Gene: CEP290 (centrosomal protein 290; minus strand). Cytogenetic location: 12q21.32.
Variant type: single nucleotide variant.
Coding change: c.5918A>G on transcript NM_025114.4 (MANE Select); coding-DNA position 5918, A replaced by G.
Protein change: p.Gln1973Arg; replaces glutamine 1973 with arginine.
Molecular consequence: missense variant.
Genome position (GRCh38, 1-based): chr12:88,071,387, T>C on the plus strand (A>G on the coding strand, the complement: CEP290 is on the minus strand). VCF-style: chr12-88071387-T-C. GRCh37 (hg19) VCF-style: chr12-88465164-T-C.
Other names: short protein forms Q1973R.
Identifiers: ClinVar variation 4982482 (VCV004982482.1).
Genomic context (GRCh38, chr12:88,071,387, plus strand): 5'-TTTCTCTTTTTTAATTCTTCCAATTCTTTTTCTGACTCCAAAGCTCGTATTCCCAAAACC[T>C]GATCAACAGTCATGCCAGTTGTTTTTAGTTTCCTCTGCAAAGTAAGTTTCTCTTTATCGG-3'
Protein context (NP_079390.3, residues 1963-1983): KLKTTGMTVD[Gln1973Arg]VLGIRALESE

ClinVar aggregate classification (germline): Uncertain significance (1 of 4 stars; one submission).

Conditions:
CEP290-related disorder. Also called: CEP290-related condition; CEP290-related disorders. Identifiers: MedGen CN239314.

Submission:

PreventionGenetics, part of Exact Sciences
Classification: Uncertain significance for CEP290-related condition. Last evaluated: 2025-01-12. Review status: criteria provided, single submitter. Criteria: ACMG Guidelines, 2015. Collection method: clinical testing. Allele origin: germline.
Comment: The CEP290 c.5918A>G variant is predicted to result in the amino acid substitution p.Gln1973Arg. To our knowledge, this variant has not been reported in the literature. This variant is reported in 0.0065% of alleles in individuals of European (Non-Finnish) descent in gnomAD. At this time, the clinical significance of this variant is uncertain due to the absence of conclusive functional and genetic evidence.